The following is an entry in ClinVar:

ClinVar aggregate classification (germline): Uncertain significance. Review status: criteria provided, multiple submitters, no conflicts (2 of 4 stars). 3 submissions from 3 submitters: Uncertain significance (3). Last evaluated 2026-08-24.

Conditions:
Inborn genetic diseases. Identifiers: MedGen C0950123, MeSH D030342.
Neuronopathy, distal hereditary motor, autosomal recessive 4. Also called: NEUROPATHY, DISTAL HEREDITARY MOTOR, AUTOSOMAL RECESSIVE 4; Autosomal recessive lower motor neuron disease with childhood onset. Identifiers: Orphanet 206580, MedGen C1970211, MONDO:0012608, OMIM 611067.
Charcot-Marie-Tooth disease recessive intermediate C. Also called: CHARCOT-MARIE-TOOTH NEUROPATHY, RECESSIVE INTERMEDIATE C. Identifiers: Orphanet 369867, MedGen C3809309, MONDO:0014154, OMIM 615376.

Allele frequency attached by ClinVar (database versions not stated): gnomAD 0.00001; gnomAD exomes 0.00004 and 0.00002; ExAC below 0.00001; TOPMed 0.00004.
gnomAD v4.1: 65 of 1,546,518 alleles (0.0042%); highest among the groups gnomAD compares: Non-Finnish European, 0.005%; no homozygotes.

Submissions (3):

GeneDx
Classification: Uncertain significance. Last evaluated: 2026-08-24. Review status: criteria provided, single submitter. Criteria: GeneDx Variant Classification Process June 2021. Collection method: clinical testing. Allele origin: germline.
Comment: Not observed at significant frequency in large population cohorts (gnomAD); In silico analysis suggests that this missense variant does not alter protein structure/function; Has not been previously published as pathogenic or benign to our knowledge

Labcorp Genetics (formerly Invitae), Labcorp
Classification: Uncertain significance for Neuronopathy, distal hereditary motor, autosomal recessive 4; Charcot-Marie-Tooth disease recessive intermediate C. Last evaluated: 2022-07-19. Review status: criteria provided, single submitter. Criteria: Invitae Variant Classification Sherloc (09022015). Collection method: clinical testing. Allele origin: germline.
Comment: This sequence change replaces glutamic acid, which is acidic and polar, with lysine, which is basic and polar, at codon 219 of the PLEKHG5 protein (p.Glu219Lys). This variant is present in population databases (rs774845320, gnomAD 0.004%). This variant has not been reported in the literature in individuals affected with PLEKHG5-related conditions. ClinVar contains an entry for this variant (Variation ID: 426342). Algorithms developed to predict the effect of missense changes on protein structure and function are either unavailable or do not agree on the potential impact of this missense change (SIFT: "Tolerated"; PolyPhen-2: "Possibly Damaging"; Align-GVGD: "Class C0"). In summary, the available evidence is currently insufficient to determine the role of this variant in disease. Therefore, it has been classified as a Variant of Uncertain Significance.

Ambry Genetics
Classification: Uncertain significance for Inborn genetic diseases. Last evaluated: 2022-05-04. Review status: criteria provided, single submitter. Criteria: Ambry Variant Classification Scheme 2023. Collection method: clinical testing. Allele origin: germline.

NM_020631.6(PLEKHG5):c.655G>A (p.Glu219Lys)

Gene: PLEKHG5 (pleckstrin homology and RhoGEF domain containing G5; minus strand). Cytogenetic location: 1p36.31.
Variant type: single nucleotide variant.
Coding change: c.655G>A on transcript NM_020631.6 (MANE Select); coding-DNA position 655, G replaced by A.
Protein change: p.Glu219Lys; replaces glutamic acid 219 with lysine.
Molecular consequence: missense variant.
Genome position (GRCh38, 1-based): chr1:6,473,391, C>T on the plus strand (G>A on the coding strand, the complement: PLEKHG5 is on the minus strand). VCF-style: chr1-6473391-C-T. GRCh37 (hg19) VCF-style: chr1-6533451-C-T.
Other names: c.766G>A, p.Glu256Lys (NM_001042663.3, NM_001265592.2); c.655G>A, p.Glu219Lys (NM_001042664.2, NM_001042665.2, NM_001265594.3 and 1 more transcripts); c.862G>A, p.Glu288Lys (NM_001265593.2); short protein forms E219K, E288K, E256K.
Identifiers: ClinVar variation 426342 (VCV000426342.9), dbSNP rs774845320, ClinGen allele CA561778.